The following is an entry in ClinVar:

ClinVar aggregate classification (germline): Uncertain significance (1 of 4 stars; one submission).

Allele frequency attached by ClinVar (database versions not stated): gnomAD exomes below 0.00001; ExAC 0.00001.
gnomAD v4.1: 3 of 1,614,130 alleles (0.00019%); highest among the groups gnomAD compares: Non-Finnish European, 0.00025%; no homozygotes.

Submission:

Labcorp Genetics (formerly Invitae), Labcorp
Classification: Uncertain significance. Last evaluated: 2024-06-28. Review status: criteria provided, single submitter. Criteria: Invitae Variant Classification Sherloc (09022015). Collection method: clinical testing. Allele origin: germline.
Comment: This sequence change replaces lysine, which is basic and polar, with glutamine, which is neutral and polar, at codon 520 of the ACO2 protein (p.Lys520Gln). This variant is present in population databases (rs756019199, gnomAD 0.0009%). This variant has not been reported in the literature in individuals affected with ACO2-related conditions. ClinVar contains an entry for this variant (Variation ID: 1058793). Advanced modeling of protein sequence and biophysical properties (such as structural, functional, and spatial information, amino acid conservation, physicochemical variation, residue mobility, and thermodynamic stability) performed at Invitae indicates that this missense variant is not expected to disrupt ACO2 protein function with a negative predictive value of 80%. In summary, the available evidence is currently insufficient to determine the role of this variant in disease. Therefore, it has been classified as a Variant of Uncertain Significance.

NM_001098.3(ACO2):c.1558A>C (p.Lys520Gln)

Gene: ACO2 (aconitase 2; plus strand). Cytogenetic location: 22q13.2.
Variant type: single nucleotide variant.
Coding change: c.1558A>C on transcript NM_001098.3 (MANE Select); coding-DNA position 1558, A replaced by C.
Protein change: p.Lys520Gln; replaces lysine 520 with glutamine.
Molecular consequence: missense variant.
Genome position (GRCh38, 1-based): chr22:41,524,921, A>C. VCF-style: chr22-41524921-A-C. GRCh37 (hg19) VCF-style: chr22-41920925-A-C.
Other names: short protein forms K520Q.
Identifiers: ClinVar variation 1058793 (VCV001058793.9), dbSNP rs756019199, ClinGen allele CA10257701.